The following is an entry in ClinVar:

NM_001084.5(PLOD3):c.826G>C (p.Glu276Gln)

Gene: PLOD3 (procollagen-lysine,2-oxoglutarate 5-dioxygenase 3; minus strand). Cytogenetic location: 7q22.1.
Variant type: single nucleotide variant.
Coding change: c.826G>C on transcript NM_001084.5 (MANE Select); coding-DNA position 826, G replaced by C.
Protein change: p.Glu276Gln; replaces glutamic acid 276 with glutamine.
Molecular consequence: missense variant.
Genome position (GRCh38, 1-based): chr7:101,212,895, C>G on the plus strand (G>C on the coding strand, the complement: PLOD3 is on the minus strand). VCF-style: chr7-101212895-C-G. GRCh37 (hg19) VCF-style: chr7-100856176-C-G.
Other names: short protein forms E276Q.
Identifiers: ClinVar variation 1506766 (VCV001506766.5), dbSNP rs766407240, ClinGen allele CA4407994.
Genomic context (GRCh38, chr7:101,212,895, plus strand): 5'-ACCTCACCTGCCCCCCCGGGAGTGTCCTCCGGTCCTGGTTGCAGAAGCCACAGCCTCCCT[C>G]AGGAGTCCAGCCATTGGGGACGTAGTTTCCCAGGTAGTTGAGCTGCAGCTGTTGGGGACA-3'
Protein context (NP_001075.1, residues 266-286): GNYVPNGWTP[Glu276Gln]GGCGFCNQDR

ClinVar aggregate classification (germline): Uncertain significance (1 of 4 stars; one submission).

Allele frequency attached by ClinVar (database versions not stated): TOPMed below 0.00001; ExAC 0.00001; gnomAD exomes 0.00001.
gnomAD v4.1: 15 of 1,613,900 alleles (0.00093%); highest among the groups gnomAD compares: Admixed American, 0.0067%; no homozygotes.

Submission:

Labcorp Genetics (formerly Invitae), Labcorp
Classification: Uncertain significance. Last evaluated: 2021-09-02. Review status: criteria provided, single submitter. Criteria: Invitae Variant Classification Sherloc (09022015). Collection method: clinical testing. Allele origin: germline.
Comment: This sequence change replaces glutamic acid with glutamine at codon 276 of the PLOD3 protein (p.Glu276Gln). The glutamic acid residue is weakly conserved and there is a small physicochemical difference between glutamic acid and glutamine. This variant is present in population databases (rs766407240, ExAC 0.002%). This variant has not been reported in the literature in individuals affected with PLOD3-related conditions. Algorithms developed to predict the effect of missense changes on protein structure and function output the following: SIFT: "Tolerated"; PolyPhen-2: "Benign"; Align-GVGD: "Class C0". The glutamine amino acid residue is found in multiple mammalian species, which suggests that this missense change does not adversely affect protein function. In summary, the available evidence is currently insufficient to determine the role of this variant in disease. Therefore, it has been classified as a Variant of Uncertain Significance.